The following is an entry in ClinVar:

NM_000337.6(SGCD):c.452C>T (p.Ser151Phe)

Gene: SGCD (sarcoglycan delta; plus strand). Cytogenetic location: 5q33.3.
Variant type: single nucleotide variant.
Coding change: c.452C>T on transcript NM_000337.6 (MANE Select); coding-DNA position 452, C replaced by T.
Protein change: p.Ser151Phe; replaces serine 151 with phenylalanine.
Molecular consequence: missense variant.
Genome position (GRCh38, 1-based): chr5:156,595,001, C>T. VCF-style: chr5-156595001-C-T. GRCh37 (hg19) VCF-style: chr5-156022011-C-T.
Other names: c.449C>T, p.Ser150Phe (NM_001128209.2); c.452C>T, p.Ser151Phe (NM_172244.3); short protein forms S151F, S150F.
Identifiers: ClinVar variation 968720 (VCV000968720.12), dbSNP rs766924806, ClinGen allele CA3530600.
Genomic context (GRCh38, chr5:156,595,001, plus strand): 5'-CCGTAGAAGCTTATGGTAAAAAATTTGAGGTAAAAACTGTTTCTGGAAAATTGCTCTTCT[C>T]TGCAGACAATAATGAAGTGGTAGTAGGAGCTGAAAGATTACGAGTTTTAGGTAAGGAAAC-3'
Protein context (NP_000328.2, residues 141-161): VKTVSGKLLF[Ser151Phe]ADNNEVVVGA

ClinVar aggregate classification (germline): Uncertain significance. Review status: criteria provided, multiple submitters, no conflicts (2 of 4 stars). 7 submissions from 6 submitters: Uncertain significance (7). Last evaluated 2025-03-01.

Conditions:
Dilated cardiomyopathy 1L (CMD1L). Identifiers: Orphanet 154, MedGen C1847667, MONDO:0011702, OMIM 606685.
Autosomal recessive limb-girdle muscular dystrophy type 2F (LGMDR6). Also called: Muscular dystrophy limb-girdle with delta-sarcoglyan deficiency; MUSCULAR DYSTROPHY, LIMB-GIRDLE, AUTOSOMAL RECESSIVE 6. Identifiers: Orphanet 219, MedGen C1832525, MONDO:0011028, OMIM 601287. Disease mechanism: Affects gamma-sarcoglycan and also disrupts the integrity of the entire sarcoglycan complex..
Inborn genetic diseases. Identifiers: MedGen C0950123, MeSH D030342.

Allele frequency attached by ClinVar (database versions not stated): gnomAD exomes below 0.00001; ExAC 0.00001; TOPMed 0.00001.
gnomAD v4.1: 14 of 1,612,448 alleles (0.00087%); highest among the groups gnomAD compares: East Asian, 0.0022%; no homozygotes.

Submissions (7):

Ambry Genetics
Classification: Uncertain significance for Inborn genetic diseases. Last evaluated: 2025-03-01. Review status: criteria provided, single submitter. Criteria: Ambry Variant Classification Scheme 2023. Collection method: clinical testing. Allele origin: germline.

GeneDx
Classification: Uncertain significance. Last evaluated: 2024-05-08. Review status: criteria provided, single submitter. Criteria: GeneDx Variant Classification Process June 2021. Collection method: clinical testing. Allele origin: germline. Affected: yes.
Comment: Not observed at significant frequency in large population cohorts (gnomAD); In silico analysis supports that this missense variant has a deleterious effect on protein structure/function; Has not been previously published as pathogenic or benign to our knowledge

Genome-Nilou Lab
Classification: Uncertain significance for Autosomal recessive limb-girdle muscular dystrophy type 2F. Last evaluated: 2023-02-08. Review status: criteria provided, single submitter. Criteria: ACMG Guidelines, 2015. Collection method: clinical testing. Allele origin: germline.

Genome-Nilou Lab
Classification: Uncertain significance for Dilated cardiomyopathy 1L. Last evaluated: 2023-02-08. Review status: criteria provided, single submitter. Criteria: ACMG Guidelines, 2015. Collection method: clinical testing. Allele origin: germline.

Labcorp Genetics (formerly Invitae), Labcorp
Classification: Uncertain significance for Autosomal recessive limb-girdle muscular dystrophy type 2F. Last evaluated: 2022-09-03. Review status: criteria provided, single submitter. Criteria: Invitae Variant Classification Sherloc (09022015). Collection method: clinical testing. Allele origin: germline.
Comment: This sequence change replaces serine, which is neutral and polar, with phenylalanine, which is neutral and non-polar, at codon 151 of the SGCD protein (p.Ser151Phe). This variant is present in population databases (rs766924806, gnomAD 0.0009%). This variant has not been reported in the literature in individuals affected with SGCD-related conditions. ClinVar contains an entry for this variant (Variation ID: 968720). Algorithms developed to predict the effect of missense changes on protein structure and function are either unavailable or do not agree on the potential impact of this missense change (SIFT: "Tolerated"; PolyPhen-2: "Possibly Damaging"; Align-GVGD: "Class C0"). In summary, the available evidence is currently insufficient to determine the role of this variant in disease. Therefore, it has been classified as a Variant of Uncertain Significance.

Fulgent Genetics
Classification: Uncertain significance for Autosomal recessive limb-girdle muscular dystrophy type 2F; Dilated cardiomyopathy 1L. Last evaluated: 2022-03-16. Review status: criteria provided, single submitter. Criteria: ACMG Guidelines, 2015. Collection method: clinical testing. Allele origin: unknown.

Revvity Omics, Revvity
Classification: Uncertain significance. Last evaluated: 2020-09-10. Review status: criteria provided, single submitter. Criteria: ACMG Guidelines, 2015. Collection method: clinical testing. Allele origin: germline.